The following is an entry in ClinVar:

NM_001282225.2(ADA2):c.729G>A (p.Met243Ile)

Gene: ADA2 (adenosine deaminase 2; minus strand). Cytogenetic location: 22q11.1.
Variant type: single nucleotide variant.
Coding change: c.729G>A on transcript NM_001282225.2 (MANE Select); coding-DNA position 729, G replaced by A.
Protein change: p.Met243Ile; replaces methionine 243 with isoleucine.
Molecular consequence: missense variant.
Genome position (GRCh38, 1-based): chr22:17,203,587, C>T on the plus strand (G>A on the coding strand, the complement: ADA2 is on the minus strand). VCF-style: chr22-17203587-C-T. GRCh37 (hg19) VCF-style: chr22-17684477-C-T.
Other names: c.729G>A, p.Met243Ile (NM_001282226.2); c.603G>A, p.Met201Ile (NM_001282227.2, NM_001282228.2); c.369G>A, p.Met123Ile (NM_001282229.2); short protein forms M243I, M123I, M201I.
Identifiers: ClinVar variation 541734 (VCV000541734.8), dbSNP rs151014930, ClinGen allele CA10088150.
Genomic context (GRCh38, chr22:17,203,587, plus strand): 5'-GGAGGTGGGAGGAACAGAGAGGAGAGCTGGGCTCACCGGCAGCAGCCTGGCTCTGATCTC[C>T]ATGTAGAGCACGTTGTCCTCGTAGAACTCCTGCATGCTCCGGAAGACATAGTCTCTGAAC-3'
Protein context (NP_001269154.1, residues 233-253): QEFYEDNVLY[Met243Ile]EIRARLLPVY

ClinVar aggregate classification (germline): Uncertain significance. Review status: criteria provided, multiple submitters, no conflicts (2 of 4 stars). 2 submissions from 2 submitters: Uncertain significance (2). Last evaluated 2022-01-26.

Conditions:
Deficiency of adenosine deaminase 2. Also called: Polyarteritis nodosa, childhoood-onset; VASCULITIS, AUTOINFLAMMATION, IMMUNODEFICIENCY, AND HEMATOLOGIC DEFECTS SYNDROME; Adenosine Deaminase 2 Deficiency. Identifiers: Orphanet 404553, MedGen C3887654, MONDO:0014306, OMIM 615688, MONDO:0100317.
Sneddon syndrome (SNDNS). Also called: LIVEDO RETICULARIS AND CEREBROVASCULAR ACCIDENTS; Idiopathic livedo reticularis with systemic involvement. Identifiers: Orphanet 820, MedGen C0282492, MONDO:0008436, OMIM 182410.

Allele frequency attached by ClinVar (database versions not stated): ExAC 0.00002; gnomAD exomes 0.00002 and 0.00005; gnomAD 0.00004; TOPMed 0.00005; ESP Exome Variant Server 0.00023.
gnomAD v4.1: 72 of 1,612,608 alleles (0.0045%); highest among the groups gnomAD compares: Non-Finnish European, 0.0058%; no homozygotes.

Submissions (2):

Labcorp Genetics (formerly Invitae), Labcorp
Classification: Uncertain significance for Deficiency of adenosine deaminase 2. Last evaluated: 2022-01-26. Review status: criteria provided, single submitter. Criteria: Invitae Variant Classification Sherloc (09022015). Collection method: clinical testing. Allele origin: germline.
Comment: This sequence change replaces methionine, which is neutral and non-polar, with isoleucine, which is neutral and non-polar, at codon 243 of the ADA2 protein (p.Met243Ile). This variant is present in population databases (rs151014930, gnomAD 0.004%). This variant has not been reported in the literature in individuals affected with ADA2-related conditions. ClinVar contains an entry for this variant (Variation ID: 541734). Algorithms developed to predict the effect of missense changes on protein structure and function (SIFT, PolyPhen-2, Align-GVGD) all suggest that this variant is likely to be tolerated. Algorithms developed to predict the effect of sequence changes on RNA splicing suggest that this variant may create or strengthen a splice site. In summary, the available evidence is currently insufficient to determine the role of this variant in disease. Therefore, it has been classified as a Variant of Uncertain Significance.

Fulgent Genetics
Classification: Uncertain significance for Sneddon syndrome; Deficiency of adenosine deaminase 2. Last evaluated: 2022-01-10. Review status: criteria provided, single submitter. Criteria: ACMG Guidelines, 2015. Collection method: clinical testing. Allele origin: unknown.